The following is an entry in ClinVar:

ClinVar aggregate classification (germline): Uncertain significance (1 of 4 stars; one submission).

Conditions:
Hereditary cancer-predisposing syndrome. Also called: Tumor predisposition; Neoplastic Syndromes, Hereditary; Hereditary Cancer Syndrome; Hereditary neoplastic syndrome. Identifiers: Orphanet 140162, MedGen C0027672, MeSH D009386, MONDO:0015356.

Submission:

Ambry Genetics
Classification: Uncertain significance for Hereditary cancer-predisposing syndrome. Last evaluated: 2024-11-12. Review status: criteria provided, single submitter. Criteria: Ambry Variant Classification Scheme 2023. Collection method: clinical testing. Allele origin: germline.
Comment: The p.S592G variant (also known as c.1774A>G), located in coding exon 9 of the BRCA1 gene, results from an A to G substitution at nucleotide position 1774. The serine at codon 592 is replaced by glycine, an amino acid with similar properties. This amino acid position is conserved. In addition, the in silico prediction for this alteration is inconclusive. Based on the available evidence, the clinical significance of this variant remains unclear.

NM_007294.4(BRCA1):c.1774A>G (p.Ser592Gly)

Gene: BRCA1 (BRCA1 DNA repair associated; minus strand). Cytogenetic location: 17q21.31.
Variant type: single nucleotide variant.
Coding change: c.1774A>G on transcript NM_007294.4 (MANE Select); coding-DNA position 1774, A replaced by G.
Protein change: p.Ser592Gly; replaces serine 592 with glycine.
Molecular consequence: missense variant. On other transcripts: intron variant (137).
Genome position (GRCh38, 1-based): chr17:43,093,757, T>C on the plus strand (A>G on the coding strand, the complement: BRCA1 is on the minus strand). VCF-style: chr17-43093757-T-C. GRCh37 (hg19) VCF-style: chr17-41245774-T-C.
Other names: c.1630A>G, p.Ser544Gly (NM_001407743.1, NM_001407744.1, NM_001407745.1 and 20 more transcripts); c.1633A>G, p.Ser545Gly (NM_001407750.1, NM_001407751.1, NM_001407752.1 and 29 more transcripts); c.1561A>G, p.Ser521Gly (NM_001407853.1, NM_001407894.1, NM_001407895.1 and 9 more transcripts); c.1774A>G, p.Ser592Gly (NM_001407854.1, NM_001407858.1, NM_001407859.1 and 30 more transcripts); c.1771A>G, p.Ser591Gly (NM_001407860.1, NM_001407861.1, NM_001407587.1 and 22 more transcripts); c.1573A>G, p.Ser525Gly (NM_001407862.1); c.1651A>G, p.Ser551Gly (NM_001407863.1, NM_001407919.1, NM_001407937.1 and 19 more transcripts); c.1570A>G, p.Ser524Gly (NM_001407874.1, NM_001407875.1); and 40 more; short protein forms S296G, S481G, S522G, S524G, S525G, S551G, S589G, S465G.
Identifiers: ClinVar variation 3481901 (VCV003481901.1).